The following is an entry in ClinVar:

ClinVar aggregate classification (germline): Likely benign. Review status: criteria provided, multiple submitters, no conflicts (2 of 4 stars). 3 submissions from 3 submitters: Likely benign (3). Last evaluated 2025-09-02.

Conditions:
IMPG1-related disorder. Also called: IMPG1-related condition.

Allele frequency attached by ClinVar (database versions not stated): TOPMed 0.00012; gnomAD exomes 0.00014 and 0.00016; gnomAD 0.00015 and 0.00016; ExAC 0.00017; ESP Exome Variant Server 0.00023.
gnomAD v4.1: 220 of 1,609,950 alleles (0.014%); highest among the groups gnomAD compares: Non-Finnish European, 0.017%; 1 homozygote.

Submissions (3):

Labcorp Genetics (formerly Invitae), Labcorp
Classification: Likely benign. Last evaluated: 2025-09-02. Review status: criteria provided, single submitter. Criteria: Invitae Variant Classification Sherloc (09022015). Collection method: clinical testing. Allele origin: germline.

PreventionGenetics, part of Exact Sciences
Classification: Likely benign for IMPG1-related condition. Last evaluated: 2024-10-13. Review status: criteria provided, single submitter. Criteria: ACMG Guidelines, 2015. Collection method: clinical testing. Allele origin: germline.
Comment: This variant is classified as likely benign based on ACMG/AMP sequence variant interpretation guidelines (Richards et al. 2015 PMID: 25741868, with internal and published modifications).

Blueprint Genetics
Classification: Likely benign. Last evaluated: 2024-10-11. Review status: criteria provided, single submitter. Criteria: ACMG Guidelines, 2015. Collection method: clinical testing. Allele origin: germline.

NM_001563.4(IMPG1):c.123A>G (p.Arg41=)

Gene: IMPG1 (interphotoreceptor matrix proteoglycan 1; minus strand). Cytogenetic location: 6q14.1.
Variant type: single nucleotide variant.
Coding change: c.123A>G on transcript NM_001563.4 (MANE Select); coding-DNA position 123, A replaced by G.
Protein change: p.Arg41=; no amino-acid change (arginine 41 retained).
Molecular consequence: synonymous variant. On other transcripts: intron variant (1).
Genome position (GRCh38, 1-based): chr6:76,042,071, T>C on the plus strand (A>G on the coding strand, the complement: IMPG1 is on the minus strand). VCF-style: chr6-76042071-T-C. GRCh37 (hg19) VCF-style: chr6-76751788-T-C.
Other names: c.123A>G (NM_001563.3); c.68-7284A>G (NM_001282368.2).
Identifiers: ClinVar variation 1143294 (VCV001143294.11), dbSNP rs144543785, ClinGen allele CA3898636.